The following is an entry in ClinVar:

ClinVar aggregate classification (germline): Pathogenic/Likely pathogenic. Review status: criteria provided, multiple submitters, no conflicts (2 of 4 stars). 3 submissions from 3 submitters: Pathogenic (1); Likely pathogenic (1). 1 of the submissions does not count toward it. Last evaluated 2024-07-01.

Conditions:
Bethlem myopathy 1B (BTHLM1B). Identifiers: MedGen C5935580, MONDO:0958233, OMIM 620725.
Ullrich congenital muscular dystrophy 1B (UCMD1B). Identifiers: MedGen C5935582, MONDO:0958235, OMIM 620727.
Bethlem myopathy 1A. Also called: Bethlem myopathy 1; Bethlem Muscular Dystrophy; MYOPATHY, BENIGN CONGENITAL, WITH CONTRACTURES. Identifiers: Orphanet 610, MedGen CN029274, MONDO:0024530, OMIM 158810.

Allele frequency attached by ClinVar (database versions not stated): TOPMed below 0.00001; gnomAD 0.00001.
gnomAD v4.1: 1 of 1,613,012 alleles (0.000062%); highest among the groups gnomAD compares: Non-Finnish European, 0.000085%; no homozygotes.

Submissions (3):

Kariminejad - Najmabadi Pathology & Genetics Center
Classification: Likely pathogenic for Bethlem myopathy 1B; Ullrich congenital muscular dystrophy 1B. Last evaluated: 2024-07-01. Review status: criteria provided, single submitter. Criteria: ACMG Guidelines, 2015. Collection method: clinical testing. Allele origin: germline. Inheritance: Autosomal dominant inheritance. Affected: yes.
Comment: PM5_M,PM2_M,PP3_M

Labcorp Genetics (formerly Invitae), Labcorp
Classification: Pathogenic for Bethlem myopathy 1A. Last evaluated: 2022-08-23. Review status: criteria provided, single submitter. Criteria: Invitae Variant Classification Sherloc (09022015). Collection method: clinical testing. Allele origin: germline.
Comment: For these reasons, this variant has been classified as Pathogenic. This variant disrupts the p.Gly700 amino acid residue in COL6A2. Other variant(s) that disrupt this residue have been determined to be pathogenic (PMID: 15689448, 32528171; Invitae). This suggests that this residue is clinically significant, and that variants that disrupt this residue are likely to be disease-causing. Advanced modeling of protein sequence and biophysical properties (such as structural, functional, and spatial information, amino acid conservation, physicochemical variation, residue mobility, and thermodynamic stability) performed at Invitae indicates that this missense variant is expected to disrupt COL6A2 protein function. ClinVar contains an entry for this variant (Variation ID: 1488541). This missense change has been observed in individuals with clinical features of autosomal dominant COL6A2-related conditions (Invitae). This variant is not present in population databases (gnomAD no frequency). This sequence change replaces glycine, which is neutral and non-polar, with aspartic acid, which is acidic and polar, at codon 700 of the COL6A2 protein (p.Gly700Asp).

Zotz-Klimas Genetics Lab, MVZ Zotz Klimas
Classification: Uncertain significance for Bethlem myopathy 1A. Last evaluated: 2023-11-24. Review status: no assertion criteria provided. Collection method: clinical testing. Allele origin: germline. Affected: yes. Not counted in ClinVar's aggregate classification.

Literature cited by the submitters: PubMed 15689448 (cited by Labcorp Genetics (formerly Invitae), Labcorp); PubMed 32528171 (cited by Labcorp Genetics (formerly Invitae), Labcorp).

NM_001849.4(COL6A2):c.2099G>A (p.Gly700Asp)

Gene: COL6A2 (collagen type VI alpha 2 chain; plus strand). Cytogenetic location: 21q22.3.
Variant type: single nucleotide variant.
Coding change: c.2099G>A on transcript NM_001849.4 (MANE Select); coding-DNA position 2099, G replaced by A.
Protein change: p.Gly700Asp; replaces glycine 700 with aspartic acid.
Molecular consequence: missense variant.
Genome position (GRCh38, 1-based): chr21:46,125,914, G>A. VCF-style: chr21-46125914-G-A. GRCh37 (hg19) VCF-style: chr21-47545828-G-A.
Other names: c.2099G>A, p.Gly700Asp (NM_058174.3, NM_058175.3); short protein forms G700D.
Identifiers: ClinVar variation 1488541 (VCV001488541.8), dbSNP rs2078657536, ClinGen allele CA410541548.